The following is an entry in ClinVar:

ClinVar aggregate classification (germline): Benign/Likely benign. Review status: criteria provided, multiple submitters, no conflicts (2 of 4 stars). 3 submissions from 3 submitters: Benign (2); Likely benign (1). Last evaluated 2025-10-27.

Conditions:
Congenital myasthenic syndrome 2A. Also called: Myasthenic syndrome, congenital, 2a, slow-channel. Identifiers: Orphanet 590, MedGen C4225374, MONDO:0014581, OMIM 616313.

Allele frequency attached by ClinVar (database versions not stated): TOPMed 0.00001; gnomAD exomes 0.00046 and 0.00089; 1000 Genomes Project 30x 0.00109; ExAC 0.00116; 1000 Genomes Project 0.00140.
gnomAD v4.1: 707 of 1,613,908 alleles (0.044%); highest among the groups gnomAD compares: South Asian, 0.74%; 8 homozygotes.

Submissions (3):

Labcorp Genetics (formerly Invitae), Labcorp
Classification: Benign for Congenital myasthenic syndrome 2A. Last evaluated: 2025-10-27. Review status: criteria provided, single submitter. Criteria: Invitae Variant Classification Sherloc (09022015). Collection method: clinical testing. Allele origin: germline.

Athena Diagnostics
Classification: Benign. Last evaluated: 2025-08-15. Review status: criteria provided, single submitter. Criteria: Athena Diagnostics Criteria. Collection method: clinical testing. Allele origin: unknown.
Comment: The frequency of this variant in the general population is higher than would generally be expected for pathogenic variants in this gene. Computational tools yielded predictions that this variant is unlikely to have an effect on normal RNA splicing. This nucleotide position exhibits low evolutionary conservation.

Eurofins Ntd Llc (ga)
Classification: Likely benign. Last evaluated: 2018-01-22. Review status: criteria provided, single submitter. Criteria: EGL Classification Definitions 2015. Collection method: clinical testing. Allele origin: germline. Observed: 1 variant allele, 1 heterozygote.

NM_000747.3(CHRNB1):c.611-9C>T

Gene: CHRNB1 (cholinergic receptor nicotinic beta 1 subunit; plus strand). Cytogenetic location: 17p13.1.
Variant type: single nucleotide variant.
Coding change: c.611-9C>T on transcript NM_000747.3 (MANE Select); 9 bases into the intron before coding-DNA position 611, C replaced by T.
Molecular consequence: intron variant.
Genome position (GRCh38, 1-based): chr17:7,448,570, C>T. VCF-style: chr17-7448570-C-T. GRCh37 (hg19) VCF-style: chr17-7351889-C-T.
Identifiers: ClinVar variation 476152 (VCV000476152.16), dbSNP rs538827412, ClinGen allele CA8347835.